The following is an entry in ClinVar:

NM_002439.5(MSH3):c.1795_1796delinsAG (p.Glu599Arg)

Gene: MSH3 (mutS homolog 3; plus strand). Cytogenetic location: 5q14.1.
Variant type: Indel.
Coding change: c.1795_1796delinsAG on transcript NM_002439.5 (MANE Select); coding-DNA positions 1795 to 1796, GA replaced by AG.
Protein change: p.Glu599Arg; replaces glutamic acid 599 with arginine.
Molecular consequence: missense variant.
Genome position (GRCh38, 1-based): chr5:80,761,577-80,761,578, GA replaced by AG. VCF-style: chr5-80761577-GA-AG. GRCh37 (hg19) VCF-style: chr5-80057396-GA-AG.
Other names: short protein forms E599R.
Identifiers: ClinVar variation 2095858 (VCV002095858.4), dbSNP rs2546770004, ClinGen allele CA2580073522.

ClinVar aggregate classification (germline): Uncertain significance (1 of 4 stars; one submission).

Submission:

Labcorp Genetics (formerly Invitae), Labcorp
Classification: Uncertain significance. Last evaluated: 2025-07-06. Review status: criteria provided, single submitter. Criteria: Invitae Variant Classification Sherloc (09022015). Collection method: clinical testing. Allele origin: germline.
Comment: This sequence change replaces glutamic acid, which is acidic and polar, with arginine, which is basic and polar, at codon 599 of the MSH3 protein (p.Glu599Arg). Information on the frequency of this variant in the gnomAD database is not available, as this variant may be reported differently in the database. This variant has not been reported in the literature in individuals affected with MSH3-related conditions. ClinVar contains an entry for this variant (Variation ID: 2095858). An algorithm developed to predict the effect of missense changes on protein structure and function (PolyPhen-2) suggests that this variant is likely to be disruptive. In summary, the available evidence is currently insufficient to determine the role of this variant in disease. Therefore, it has been classified as a Variant of Uncertain Significance.